The following is an entry in ClinVar:

NM_014946.4(SPAST):c.1237T>A (p.Ser413Thr)

Gene: SPAST (spastin; plus strand). Cytogenetic location: 2p22.3.
Variant type: single nucleotide variant.
Coding change: c.1237T>A on transcript NM_014946.4 (MANE Select); coding-DNA position 1237, T replaced by A.
Protein change: p.Ser413Thr; replaces serine 413 with threonine.
Molecular consequence: missense variant.
Genome position (GRCh38, 1-based): chr2:32,128,471, T>A. VCF-style: chr2-32128471-T-A. GRCh37 (hg19) VCF-style: chr2-32353540-T-A.
Other names: c.1234T>A, p.Ser412Thr (NM_001363823.2); c.1138T>A, p.Ser380Thr (NM_001363875.2); c.1141T>A, p.Ser381Thr (NM_001377959.1, NM_199436.2); short protein forms S381T, S380T, S412T, S413T.
Identifiers: ClinVar variation 956436 (VCV000956436.9), dbSNP rs1679267183, ClinGen allele CA346501499.

ClinVar aggregate classification (germline): Uncertain significance (1 of 4 stars; one submission).

Conditions:
Hereditary spastic paraplegia 4. Also called: Spastic paraplegia 4, autosomal dominant; Familial spastic paraplegia autosomal dominant 2; Spastic Paraplegia 4. Identifiers: Orphanet 100985, MedGen C1866855, MONDO:0008438, OMIM 182601.

Submission:

Labcorp Genetics (formerly Invitae), Labcorp
Classification: Uncertain significance for Hereditary spastic paraplegia 4. Last evaluated: 2019-07-22. Review status: criteria provided, single submitter. Criteria: Invitae Variant Classification Sherloc (09022015). Collection method: clinical testing. Allele origin: germline.
Comment: In summary, the available evidence is currently insufficient to determine the role of this variant in disease. Therefore, it has been classified as a Variant of Uncertain Significance. This variant disrupts the p.Ser413 amino acid residue in SPAST. Other variant(s) that disrupt this residue have been determined to be pathogenic (PMID: 20550563, Invitae). This suggests that this residue is clinically significant, and that variants that disrupt this residue are likely to be disease-causing. Algorithms developed to predict the effect of missense changes on protein structure and function (SIFT, PolyPhen-2, Align-GVGD) all suggest that this variant is likely to be disruptive, but these predictions have not been confirmed by published functional studies and their clinical significance is uncertain. This variant has not been reported in the literature in individuals with SPAST-related conditions. This variant is not present in population databases (ExAC no frequency). This sequence change replaces serine with threonine at codon 413 of the SPAST protein (p.Ser413Thr). The serine residue is highly conserved and there is a small physicochemical difference between serine and threonine.

Literature cited by the submitters: PubMed 20550563.